The following is an entry in ClinVar:

ClinVar aggregate classification (germline): Benign/Likely benign. Review status: criteria provided, multiple submitters, no conflicts (2 of 4 stars). 4 submissions from 4 submitters: Benign (1); Likely benign (3). Last evaluated 2026-09-01.

Conditions:
Familial cold autoinflammatory syndrome 3 (FCAS3). Also called: ANTIBODY DEFICIENCY AND IMMUNE DYSREGULATION, PLCG2-ASSOCIATED; FAMILIAL ATYPICAL COLD URTICARIA. Identifiers: Orphanet 300359, MedGen C3280914, MONDO:0013766, OMIM 614468.

Allele frequency attached by ClinVar (database versions not stated): ESP Exome Variant Server 0.00016; gnomAD 0.00016 and 0.00017; TOPMed 0.00016.
gnomAD v4.1: 251 of 1,614,002 alleles (0.016%); highest among the groups gnomAD compares: Non-Finnish European, 0.02%; no homozygotes.

Submissions (4):

CeGaT Center for Human Genetics Tuebingen
Classification: Likely benign. Last evaluated: 2026-09-01. Review status: criteria provided, single submitter. Criteria: CeGaT Center For Human Genetics Tuebingen Variant Classification Criteria Version 2. Collection method: clinical testing. Allele origin: germline. Affected: yes. Observed: 1 variant allele.
Comment: PLCG2: BP4, BP7

Labcorp Genetics (formerly Invitae), Labcorp
Classification: Likely benign for Familial cold autoinflammatory syndrome 3. Last evaluated: 2025-12-03. Review status: criteria provided, single submitter. Criteria: Invitae Variant Classification Sherloc (09022015). Collection method: clinical testing. Allele origin: germline.

Women's Health and Genetics/Laboratory Corporation of America, LabCorp
Classification: Benign. Last evaluated: 2025-11-07. Review status: criteria provided, single submitter. Criteria: LabCorp Variant Classification Summary - May 2015. Collection method: clinical testing. Allele origin: germline.

Blueprint Genetics
Classification: Likely benign. Last evaluated: 2024-10-25. Review status: criteria provided, single submitter. Criteria: ACMG Guidelines, 2015. Collection method: clinical testing. Allele origin: germline.

NM_002661.5(PLCG2):c.2181A>C (p.Arg727=)

Gene: PLCG2 (phospholipase C gamma 2; plus strand). Cytogenetic location: 16q23.3.
Variant type: single nucleotide variant.
Coding change: c.2181A>C on transcript NM_002661.5 (MANE Select); coding-DNA position 2181, A replaced by C.
Protein change: p.Arg727=; no amino-acid change (arginine 727 retained).
Molecular consequence: synonymous variant.
Genome position (GRCh38, 1-based): chr16:81,919,610, A>C. VCF-style: chr16-81919610-A-C. GRCh37 (hg19) VCF-style: chr16-81953215-A-C.
Identifiers: ClinVar variation 756468 (VCV000756468.13), dbSNP rs372269946, ClinGen allele CA8194108.